The following is an entry in ClinVar:

NM_000219.6(KCNE1):c.304A>C (p.Ser102Arg)

Gene: KCNE1 (potassium voltage-gated channel subfamily E regulatory subunit 1; minus strand). Cytogenetic location: 21q22.12.
Variant type: single nucleotide variant.
Coding change: c.304A>C on transcript NM_000219.6 (MANE Select); coding-DNA position 304, A replaced by C.
Protein change: p.Ser102Arg; replaces serine 102 with arginine.
Molecular consequence: missense variant.
Genome position (GRCh38, 1-based): chr21:34,449,331, T>G on the plus strand (A>C on the coding strand, the complement: KCNE1 is on the minus strand). VCF-style: chr21-34449331-T-G. GRCh37 (hg19) VCF-style: chr21-35821629-T-G.
Other names: c.304A>C, p.Ser102Arg (NM_001127668.4, NM_001127669.4, NM_001127670.4 and 4 more transcripts); short protein forms S102R.
Identifiers: ClinVar variation 3374582 (VCV003374582.2).

Conditions:
Long QT syndrome 5 (LQT5). Identifiers: Orphanet 101016, Orphanet 768, MedGen C1867904, MONDO:0013372, OMIM 613695.

Submission:

Roden Lab, Vanderbilt University Medical Center
No classification provided (evidence only). Condition: Long QT syndrome 5. Review status: no classification provided. Collection method: in vitro. Allele origin: not applicable. Functional consequence: Effect on ion channel function.
ClinVar note: "not provided" was previously submitted as the classification for the variant. However, the classification appeared to be based only on an observation of functional data so it was converted to no classification on 2025-07-30.